The following is an entry in ClinVar:

ClinVar aggregate classification (germline): Uncertain significance (1 of 4 stars; one submission).

Submission:

GeneDx
Classification: Uncertain significance. Last evaluated: 2022-02-10. Review status: criteria provided, single submitter. Criteria: GeneDx Variant Classification Process June 2021. Collection method: clinical testing. Allele origin: germline. Affected: yes.
Comment: Not observed at significant frequency in large population cohorts (gnomAD); In silico analysis supports that this missense variant does not alter protein structure/function; Has not been previously published as pathogenic or benign to our knowledge

NM_015338.6(ASXL1):c.2698C>G (p.Pro900Ala)

Gene: ASXL1 (ASXL transcriptional regulator 1; plus strand). Cytogenetic location: 20q11.21.
Variant type: single nucleotide variant.
Coding change: c.2698C>G on transcript NM_015338.6 (MANE Select); coding-DNA position 2698, C replaced by G.
Protein change: p.Pro900Ala; replaces proline 900 with alanine.
Molecular consequence: missense variant.
Genome position (GRCh38, 1-based): chr20:32,435,410, C>G. VCF-style: chr20-32435410-C-G. GRCh37 (hg19) VCF-style: chr20-31023213-C-G.
Other names: c.2515C>G, p.Pro839Ala (NM_001363734.1); short protein forms P839A, P900A.
Identifiers: ClinVar variation 1700866 (VCV001700866.2), dbSNP rs2145371700, ClinGen allele CA408560933.
Genomic context (GRCh38, chr20:32,435,410, plus strand): 5'-ACTAGACAAGAAAACTTGAAAACCAAGGCTCTCGTTTCTAACAGTTCTTTGCATTGGATA[C>G]CCATCCCATCGAATGATGAGGTAGTGAAACAGCCCAAACCAGAATCCAGAGAACACATAC-3'
Protein context (NP_056153.2, residues 890-910): LVSNSSLHWI[Pro900Ala]IPSNDEVVKQ